The following is an entry in ClinVar:

NM_001457.4(FLNB):c.3620A>G (p.Lys1207Arg)

Gene: FLNB (filamin B; plus strand). Cytogenetic location: 3p14.3.
Variant type: single nucleotide variant.
Coding change: c.3620A>G on transcript NM_001457.4 (MANE Select); coding-DNA position 3620, A replaced by G.
Protein change: p.Lys1207Arg; replaces lysine 1207 with arginine.
Molecular consequence: missense variant.
Genome position (GRCh38, 1-based): chr3:58,123,586, A>G. VCF-style: chr3-58123586-A-G. GRCh37 (hg19) VCF-style: chr3-58109313-A-G.
Other names: c.3620A>G, p.Lys1207Arg (NM_001164317.2, NM_001164318.2, NM_001164319.2); short protein forms K1207R.
Identifiers: ClinVar variation 1909705 (VCV001909705.5), dbSNP rs780119259, ClinGen allele CA2468459.

ClinVar aggregate classification (germline): Uncertain significance (1 of 4 stars; one submission).

Allele frequency attached by ClinVar (database versions not stated): ExAC 0.00001; gnomAD 0.00001; gnomAD exomes 0.00001; TOPMed 0.00001.
gnomAD v4.1: 10 of 1,612,636 alleles (0.00062%); highest among the groups gnomAD compares: Non-Finnish European, 0.00085%; no homozygotes.

Submission:

Labcorp Genetics (formerly Invitae), Labcorp
Classification: Uncertain significance. Last evaluated: 2024-04-10. Review status: criteria provided, single submitter. Criteria: Invitae Variant Classification Sherloc (09022015). Collection method: clinical testing. Allele origin: germline.
Comment: This sequence change replaces lysine, which is basic and polar, with arginine, which is basic and polar, at codon 1207 of the FLNB protein (p.Lys1207Arg). This variant is present in population databases (rs780119259, gnomAD 0.0009%). This variant has not been reported in the literature in individuals affected with FLNB-related conditions. ClinVar contains an entry for this variant (Variation ID: 1909705). Advanced modeling of protein sequence and biophysical properties (such as structural, functional, and spatial information, amino acid conservation, physicochemical variation, residue mobility, and thermodynamic stability) performed at Invitae indicates that this missense variant is not expected to disrupt FLNB protein function with a negative predictive value of 95%. Algorithms developed to predict the effect of sequence changes on RNA splicing suggest that this variant may create or strengthen a splice site. In summary, the available evidence is currently insufficient to determine the role of this variant in disease. Therefore, it has been classified as a Variant of Uncertain Significance.